The following is an entry in ClinVar:

NM_001318510.2(ACSL4):c.1586G>A (p.Arg529His)

Gene: ACSL4 (acyl-CoA synthetase long chain family member 4; minus strand). Cytogenetic location: Xq23.
Variant type: single nucleotide variant.
Coding change: c.1586G>A on transcript NM_001318510.2 (MANE Select); coding-DNA position 1586, G replaced by A.
Protein change: p.Arg529His; replaces arginine 529 with histidine.
Molecular consequence: missense variant.
Genome position (GRCh38, 1-based): chrX:109,661,642, C>T on the plus strand (G>A on the coding strand, the complement: ACSL4 is on the minus strand). VCF-style: chrX-109661642-C-T. GRCh37 (hg19) VCF-style: chrX-108904871-C-T.
Other names: c.1709G>A, p.Arg570His (NM_001318509.2, NM_022977.3); c.1586G>A, p.Arg529His (NM_004458.3); short protein forms R529H, R570H.
Identifiers: ClinVar variation 633031 (VCV000633031.7), dbSNP rs1569420470, ClinGen allele CA414214860.

ClinVar aggregate classification (germline): Conflicting classifications of pathogenicity. Review status: criteria provided, conflicting classifications (1 of 4 stars). 5 submissions from 5 submitters: Likely pathogenic (1); Uncertain significance (2). 2 of the submissions do not count toward it. Last evaluated 2024-08-29.

Conditions:
Intellectual developmental disorder, X-linked 63. Also called: Intellectual disability, X-linked 63; MENTAL RETARDATION, X-LINKED 68. Identifiers: Orphanet 777, MedGen C1845672, MONDO:0010313, OMIM 300387.

Submissions (5):

Institute of Human Genetics, University of Leipzig Medical Center
Classification: Likely pathogenic for Intellectual developmental disorder, X-linked 63. Last evaluated: 2024-08-29. Review status: criteria provided, single submitter. Criteria: ACMG Guidelines, 2015. Collection method: clinical testing. Allele origin: de novo. Inheritance: X-linked dominant inheritance. Affected: yes.
Comment: Criteria applied: PS2_MOD,PS4_MOD,PM2,PM5,PP3

GeneDx
Classification: Uncertain significance. Last evaluated: 2024-03-24. Review status: criteria provided, single submitter. Criteria: GeneDx Variant Classification Process June 2021. Collection method: clinical testing. Allele origin: germline. Affected: yes.
Comment: Not observed at significant frequency in large population cohorts (gnomAD); In silico analysis supports that this missense variant has a deleterious effect on protein structure/function; This variant is associated with the following publications: (PMID: 35710456, 11889465, 28333917)

Women's Health and Genetics/Laboratory Corporation of America, LabCorp
Classification: Uncertain significance. Last evaluated: 2020-08-14. Review status: criteria provided, single submitter. Criteria: LabCorp Variant Classification Summary - May 2015. Collection method: clinical testing. Allele origin: germline.
Comment: Variant summary: ACSL4 c.1586G>A (p.Arg529His) results in a non-conservative amino acid change located in the AMP-dependent synthetase/ligase of the encoded protein sequence. Five of five in-silico tools predict a damaging effect of the variant on protein function. The variant was absent in 182335 control chromosomes. The available data on variant occurrences in the general population are insufficient to allow any conclusion about variant significance. The variant, c.1586G>A, has been reported in the literature in an individual with psychomotor retardation and microcephaly (Vissers_2017). A different nucleotide change affecting the same codon (c.1585C>A, p.Arg529Ser) has been reported in a family with nonspecific mental retardation (Meloni_2002). This variant (p.Arg529Ser) was shown to segregate with disease in the family and site-directed mutagenesis of the fatty acyl-CoA synthetase gene of Escherichia coli demonstrated that the substitution of 3 aa completely abolishes enzymatic activity. To our knowledge, no experimental evidence demonstrating an impact on protein function associated with the variant of interest has been reported. No other clinical diagnostic laboratories have submitted clinical-significance assessments for this variant to ClinVar after 2014. However, one clinical diagnostic laboratory classified this variant as VUS without providing evidence. Based on the evidence outlined above, the variant was classified as uncertain significance.

Solve-RD Consortium
Classification: Likely pathogenic for Intellectual developmental disorder, X-linked 63. Last evaluated: 2022-06-01. Review status: no assertion criteria provided. Collection method: provider interpretation. Allele origin: inherited. Affected: yes. Not counted in ClinVar's aggregate classification.
Comment: Variant confirmed as disease-causing by referring clinical team

Variant identified during reanalysis of unsolved cases by the Solve-RD project. The Solve-RD project has received funding from the European Union’s Horizon 2020 research and innovation programme under grant agreement No 779257.

Joint Genome Diagnostic Labs from Nijmegen and Maastricht, Radboudumc and MUMC+
Classification: Likely pathogenic. Review status: no assertion criteria provided. Collection method: clinical testing. Allele origin: germline. Affected: yes. Not counted in ClinVar's aggregate classification.

Literature cited by the submitters: PubMed 11889465 (cited by Women's Health and Genetics/Laboratory Corporation of America, LabCorp); PubMed 28333917 (cited by Women's Health and Genetics/Laboratory Corporation of America, LabCorp); PubMed 39825153 (cited by Solve-RD Consortium).